The following is an entry in ClinVar:

NM_006950.3(SYN1):c.635G>T (p.Ser212Ile)

Gene: SYN1 (synapsin I; minus strand). Cytogenetic location: Xp11.23.
Variant type: single nucleotide variant.
Coding change: c.635G>T on transcript NM_006950.3 (MANE Select); coding-DNA position 635, G replaced by T.
Protein change: p.Ser212Ile; replaces serine 212 with isoleucine.
Molecular consequence: missense variant.
Genome position (GRCh38, 1-based): chrX:47,605,272, C>A on the plus strand (G>T on the coding strand, the complement: SYN1 is on the minus strand). VCF-style: chrX-47605272-C-A. GRCh37 (hg19) VCF-style: chrX-47464671-C-A.
Other names: c.635G>T, p.Ser212Ile (NM_133499.2); short protein forms S212I.
Identifiers: ClinVar variation 520609 (VCV000520609.7), dbSNP rs1556860638, ClinGen allele CA412824458.

ClinVar aggregate classification (germline): Uncertain significance (1 of 4 stars; one submission).

Conditions:
Epilepsy, X-linked 1, with variable learning disabilities and behavior disorders. Also called: X-linked epilepsy-learning disabilities-behavior disorders syndrome. Identifiers: Orphanet 85294, MedGen C5774177, MONDO:0010339, OMIM 300491.
Intellectual developmental disorder, X-linked 50. Also called: Intellectual disability, X-linked 50; MRX50. Identifiers: Orphanet 777, MedGen C1848087, MONDO:0010251, OMIM 300115.
Inborn genetic diseases. Identifiers: MedGen C0950123, MeSH D030342.

Submission:

Ambry Genetics
Classification: Uncertain significance for Inborn genetic diseases. Last evaluated: 2026-07-02. Review status: criteria provided, single submitter. Criteria: Ambry Variant Classification Scheme 2023. Collection method: clinical testing. Allele origin: germline.
Comment: The c.635G>T (p.S212I) alteration is located in exon 4 (coding exon 4) of the SYN1 gene. This alteration results from a G to T substitution at nucleotide position 635, causing the serine (S) at amino acid position 212 to be replaced by an isoleucine (I). This variant was not reported in population-based cohorts in the Genome Aggregation Database (gnomAD). This variant was identified in one or more individuals with features consistent with SYN1-related neurodevelopmental disorder and segregated with disease in at least one family (Ambry internal data). This amino acid position is well conserved in available vertebrate species. The in silico prediction for this alteration is inconclusive. Based on insufficient or conflicting evidence, the clinical significance of this alteration remains unclear.